The following is an entry in ClinVar:

ClinVar aggregate classification (germline): Pathogenic. Review status: criteria provided, single submitter (1 of 4 stars). 3 submissions from 3 submitters: Pathogenic (1). 2 of the submissions do not count toward it. Last evaluated 2024-04-01.

Conditions:
Pulmonary fibrosis and/or bone marrow failure, telomere-related, 5. Identifiers: MedGen C5231457, MONDO:0032865, OMIM 618674.

Allele frequency attached by ClinVar (database versions not stated): TOPMed below 0.00001.
gnomAD v4.1: 2 of 1,596,114 alleles (0.00013%); highest among the groups gnomAD compares: Non-Finnish European, 0.00017%; no homozygotes.

Submissions (3):

CeGaT Center for Human Genetics Tuebingen
Classification: Pathogenic. Last evaluated: 2024-04-01. Review status: criteria provided, single submitter. Criteria: CeGaT Center For Human Genetics Tuebingen Variant Classification Criteria Version 2. Collection method: clinical testing. Allele origin: germline. Affected: yes. Observed: 1 variant allele.
Comment: ZCCHC8: PP1:Strong, PM2, PS3:Moderate, PS4:Moderate

Epi-/Genome lab, Department of Hematology, Rigshospitalet
Classification: Pathogenic for Pulmonary fibrosis and/or bone marrow failure, telomere-related, 5. Last evaluated: 2024-02-20. Review status: no assertion criteria provided. Collection method: research. Allele origin: germline. Inheritance: Autosomal dominant inheritance. Affected: yes. Observed: 2 variant alleles, 2 heterozygotes. Clinical features observed: Pulmonary fibrosis (HP:0002206). Not counted in ClinVar's aggregate classification.
Comment: In 3 members of a family with telomere-related pulmonary fibrosis and/or bone marrow failure syndrome-5 (PFBMFT5; 618674), we identified a heterozygous c.557C>T p.(P186L) substitution. The variant segregated with affected family members. With Flow FISH we found short telomeres in 2 family members carrying the variant. The family history is similar to the variant reported by Gable et al. (2019) and the variant is identical. The mutation was identified with whole genome sequencing and confirmed with Sanger Sequencing.

OMIM
Classification: Pathogenic for PULMONARY FIBROSIS AND/OR BONE MARROW FAILURE SYNDROME, TELOMERE-RELATED, 5 (1 family). Last evaluated: 2023-05-08. Review status: no assertion criteria provided. Collection method: literature only. Allele origin: germline. Not counted in ClinVar's aggregate classification.

Literature cited by the submitters: PubMed 31488579 (cited by OMIM).

NM_017612.5(ZCCHC8):c.557C>T (p.Pro186Leu)

Gene: ZCCHC8 (zinc finger CCHC-type containing 8; minus strand). Cytogenetic location: 12q24.31.
Variant type: single nucleotide variant.
Coding change: c.557C>T on transcript NM_017612.5 (MANE Select); coding-DNA position 557, C replaced by T.
Protein change: p.Pro186Leu; replaces proline 186 with leucine.
Molecular consequence: missense variant. On other transcripts: intron variant (3).
Genome position (GRCh38, 1-based): chr12:122,483,508, G>A on the plus strand (C>T on the coding strand, the complement: ZCCHC8 is on the minus strand). VCF-style: chr12-122483508-G-A. GRCh37 (hg19) VCF-style: chr12-122968055-G-A.
Other names: c.260C>T, p.Pro87Leu (NM_001350936.2); c.-43-813C>T (NM_001350938.2, NM_001350937.2); c.502-1421C>T (NM_001350935.2); short protein forms P186L, P87L.
Identifiers: ClinVar variation 694674 (VCV000694674.24), dbSNP rs1317757765, ClinGen allele CA482208644.